The following is an entry in ClinVar:

NM_000165.5(GJA1):c.893G>A (p.Cys298Tyr)

Gene: GJA1 (gap junction protein alpha 1; plus strand). Cytogenetic location: 6q22.31.
Variant type: single nucleotide variant.
Coding change: c.893G>A on transcript NM_000165.5 (MANE Select); coding-DNA position 893, G replaced by A.
Protein change: p.Cys298Tyr; replaces cysteine 298 with tyrosine.
Molecular consequence: missense variant.
Genome position (GRCh38, 1-based): chr6:121,447,740, G>A. VCF-style: chr6-121447740-G-A. GRCh37 (hg19) VCF-style: chr6-121768886-G-A.
Other names: short protein forms C298Y.
Identifiers: ClinVar variation 904976 (VCV000904976.5), dbSNP rs1773914309, ClinGen allele CA365560002.
Genomic context (GRCh38, chr6:121,447,740, plus strand): 5'-TCTCGCCTATGTCTCCTCCTGGGTACAAGCTGGTTACTGGCGACAGAAACAATTCTTCTT[G>A]CCGCAATTACAACAAGCAAGCAAGTGAGCAAAACTGGGCTAATTACAGTGCAGAACAAAA-3'
Protein context (NP_000156.1, residues 288-308): LVTGDRNNSS[Cys298Tyr]RNYNKQASEQ

ClinVar aggregate classification (germline): Uncertain significance. Review status: criteria provided, multiple submitters, no conflicts (2 of 4 stars). 4 submissions from 2 submitters: Uncertain significance (4). Last evaluated 2023-03-14.

Conditions:
Syndactyly type 3 (SDTY3). Also called: RING AND LITTLE FINGER SYNDACTYLY; SYNDACTYLY OF FINGERS IV AND V. Identifiers: Orphanet 93404, MedGen C1861366, MONDO:0008514, OMIM 186100.
Hypoplastic left heart syndrome 1 (HLHS1). Identifiers: Orphanet 2248, MedGen C4551854, MONDO:0009433, OMIM 241550.
Oculodentodigital dysplasia (ODDD). Also called: ODD SYNDROME; Oculodentodigital syndrome. Identifiers: Orphanet 2710, MedGen C0812437, MONDO:0008111, OMIM 164200.

Submissions (4):

GeneDx
Classification: Uncertain significance. Last evaluated: 2023-03-14. Review status: criteria provided, single submitter. Criteria: GeneDx Variant Classification Process June 2021. Collection method: clinical testing. Allele origin: germline. Affected: yes.
Comment: Not observed at significant frequency in large population cohorts (gnomAD); In silico analysis supports that this missense variant does not alter protein structure/function; Has not been previously published as pathogenic or benign to our knowledge

Illumina Laboratory Services, Illumina
Classification: Uncertain significance for Hypoplastic left heart syndrome 1. Last evaluated: 2018-01-13. Review status: criteria provided, single submitter. Criteria: ICSL Variant Classification Criteria 13 December 2019. Collection method: clinical testing. Allele origin: germline.

Illumina Laboratory Services, Illumina
Classification: Uncertain significance for Syndactyly type 3. Last evaluated: 2018-01-13. Review status: criteria provided, single submitter. Criteria: ICSL Variant Classification Criteria 13 December 2019. Collection method: clinical testing. Allele origin: germline.

Illumina Laboratory Services, Illumina
Classification: Uncertain significance for Oculodentodigital dysplasia. Last evaluated: 2018-01-13. Review status: criteria provided, single submitter. Criteria: ICSL Variant Classification Criteria 13 December 2019. Collection method: clinical testing. Allele origin: germline.